The following is an entry in ClinVar:

ClinVar aggregate classification (germline): Uncertain significance (1 of 4 stars; one submission).

Allele frequency attached by ClinVar (database versions not stated): TOPMed 0.00001.
gnomAD v4.1: 2 of 1,611,590 alleles (0.00012%); highest among the groups gnomAD compares: Non-Finnish European, 0.00017%; no homozygotes.

Submission:

Labcorp Genetics (formerly Invitae), Labcorp
Classification: Uncertain significance. Last evaluated: 2022-06-24. Review status: criteria provided, single submitter. Criteria: Invitae Variant Classification Sherloc (09022015). Collection method: clinical testing. Allele origin: germline.
Comment: This sequence change replaces valine, which is neutral and non-polar, with methionine, which is neutral and non-polar, at codon 330 of the EXOSC9 protein (p.Val330Met). This variant is present in population databases (no rsID available, gnomAD 0.0009%). This variant has not been reported in the literature in individuals affected with EXOSC9-related conditions. Algorithms developed to predict the effect of missense changes on protein structure and function are either unavailable or do not agree on the potential impact of this missense change (SIFT: "Deleterious"; PolyPhen-2: "Possibly Damaging"; Align-GVGD: "Class C0"). In summary, the available evidence is currently insufficient to determine the role of this variant in disease. Therefore, it has been classified as a Variant of Uncertain Significance.

NM_005033.3(EXOSC9):c.988G>A (p.Val330Met)

Gene: EXOSC9 (exosome component 9; plus strand). Cytogenetic location: 4q27.
Variant type: single nucleotide variant.
Coding change: c.988G>A on transcript NM_005033.3 (MANE Select); coding-DNA position 988, G replaced by A.
Protein change: p.Val330Met; replaces valine 330 with methionine.
Molecular consequence: missense variant.
Genome position (GRCh38, 1-based): chr4:121,813,879, G>A. VCF-style: chr4-121813879-G-A. GRCh37 (hg19) VCF-style: chr4-122735034-G-A.
Other names: c.988G>A, p.Val330Met (NM_001034194.2); short protein forms V330M.
Identifiers: ClinVar variation 1942515 (VCV001942515.5), dbSNP rs1019478137, ClinGen allele CA104738472.